The following is an entry in ClinVar:

NM_005120.3(MED12):c.568A>G (p.Ile190Val)

Gene: MED12 (mediator complex subunit 12; plus strand). Cytogenetic location: Xq13.1.
Variant type: single nucleotide variant.
Coding change: c.568A>G on transcript NM_005120.3 (MANE Select); coding-DNA position 568, A replaced by G.
Protein change: p.Ile190Val; replaces isoleucine 190 with valine.
Molecular consequence: missense variant.
Genome position (GRCh38, 1-based): chrX:71,120,985, A>G. VCF-style: chrX-71120985-A-G. GRCh37 (hg19) VCF-style: chrX-70340835-A-G.
Other names: short protein forms I190V.
Identifiers: ClinVar variation 134638 (VCV000134638.16), dbSNP rs374780236, ClinGen allele CA289163.

ClinVar aggregate classification (germline): Conflicting classifications of pathogenicity. Review status: criteria provided, conflicting classifications (1 of 4 stars). 5 submissions from 5 submitters: Uncertain significance (1); Benign (1); Likely benign (2). 1 of the submissions does not count toward it. Last evaluated 2025-12-23.

Conditions:
FG syndrome (FGS). Identifiers: MedGen C0220769, MONDO:0002010.
MED12-Related Disorders. Also called: MED12-related condition; MED12-related disorder. Identifiers: MedGen CN381102.
Familial thoracic aortic aneurysm and aortic dissection (TAAD). Also called: Thoracic aortic aneurysms and dissections. Identifiers: Orphanet 91387, MedGen C4707243, MONDO:0019625.

Allele frequency attached by ClinVar (database versions not stated): ExAC 0.00002; gnomAD exomes 0.00002; gnomAD 0.00006; TOPMed 0.00006; ESP Exome Variant Server 0.00010.
gnomAD v4.1: 24 of 1,209,800 alleles (0.002%); highest among the groups gnomAD compares: Non-Finnish European, 0.0026%; no homozygotes.

Submissions (5):

PreventionGenetics, part of Exact Sciences
Classification: Likely benign for MED12-related condition. Last evaluated: 2025-12-23. Review status: criteria provided, single submitter. Criteria: ACMG Guidelines, 2015. Collection method: clinical testing. Allele origin: germline.
Comment: This variant is classified as likely benign based on ACMG/AMP sequence variant interpretation guidelines (Richards et al. 2015 PMID: 25741868, with internal and published modifications).

Labcorp Genetics (formerly Invitae), Labcorp
Classification: Benign for FG syndrome. Last evaluated: 2024-07-20. Review status: criteria provided, single submitter. Criteria: Invitae Variant Classification Sherloc (09022015). Collection method: clinical testing. Allele origin: germline.

Ambry Genetics
Classification: Uncertain significance for Familial thoracic aortic aneurysm and aortic dissection. Last evaluated: 2022-01-07. Review status: criteria provided, single submitter. Criteria: Ambry Variant Classification Scheme 2023. Collection method: clinical testing. Allele origin: germline.
Comment: The p.I190V variant (also known as c.568A>G), located in coding exon 5 of the MED12 gene, results from an A to G substitution at nucleotide position 568. The isoleucine at codon 190 is replaced by valine, an amino acid with highly similar properties. In one study, authors used in silico models and computational methods to determine potential pathogenicity of this alteration, which remains unclear (Banaganapalli B et al. J. Cell. Biochem., 2016 09;117:2023-35). This amino acid position is highly conserved in available vertebrate species. In addition, this alteration is predicted to be tolerated by in silico analysis. Since supporting evidence is limited at this time, the clinical significance of this alteration remains unclear.

GeneDx
Classification: Likely benign. Last evaluated: 2020-09-02. Review status: criteria provided, single submitter. Criteria: GeneDx Variant Classification Process June 2021. Collection method: clinical testing. Allele origin: germline. Affected: yes.

ITMI
No classification provided. Condition: AllHighlyPenetrant. Last evaluated: 2013-09-19. Review status: no classification provided. Collection method: reference population. Allele origin: germline. Not counted in ClinVar's aggregate classification.
Comment: Please see associated publication for description of ethnicities

Literature cited by the submitters: PubMed 26813965 (cited by Ambry Genetics); PubMed 24728327 (cited by ITMI).